The following is an entry in ClinVar:

NM_001018115.3(FANCD2):c.1130A>G (p.His377Arg)

Genes: FANCD2 (FA complementation group D2; plus strand), LOC107303338 (3p25 FANCD2 Alu-mediated recombination region; plus strand). Cytogenetic location: 3p25.3.
Variant type: single nucleotide variant.
Coding change: c.1130A>G on transcript NM_001018115.3 (MANE Select); coding-DNA position 1130, A replaced by G.
Protein change: p.His377Arg; replaces histidine 377 with arginine.
Molecular consequence: missense variant.
Genome position (GRCh38, 1-based): chr3:10,043,860, A>G. VCF-style: chr3-10043860-A-G. GRCh37 (hg19) VCF-style: chr3-10085544-A-G.
Other names: c.1130A>G, p.His377Arg (NM_001319984.2, NM_001374253.1, NM_001374254.1 and 1 more transcripts); c.1130A>G (NM_001018115.2); short protein forms H377R.
Identifiers: ClinVar variation 414648 (VCV000414648.18), dbSNP rs141141752, ClinGen allele CA2249505.

ClinVar aggregate classification (germline): Conflicting classifications of pathogenicity. Review status: criteria provided, conflicting classifications (1 of 4 stars). 4 submissions from 4 submitters: Uncertain significance (2); Likely benign (2). Last evaluated 2026-04-09.

Conditions:
FANCD2-related disorder. Also called: FANCD2-related condition.
Fanconi anemia (FA). Also called: Fanconi's anemia. Identifiers: Orphanet 84, MedGen C0015625, MeSH D005199, MONDO:0019391.
Fanconi anemia complementation group D2. Also called: FANCD2-Related Fanconi Anemia; FANCONI PANCYTOPENIA, TYPE 4; FANCONI ANEMIA, COMPLEMENTATION GROUP D. Identifiers: Orphanet 84, MedGen C3160738, MONDO:0009214, OMIM 227646.

Allele frequency attached by ClinVar (database versions not stated): gnomAD exomes 0.00017; ExAC 0.00032; 1000 Genomes Project 30x 0.00047; gnomAD 0.00049 and 0.00052; 1000 Genomes Project 0.00060; ESP Exome Variant Server 0.00092.

Submissions (4):

PreventionGenetics, part of Exact Sciences
Classification: Likely benign for FANCD2-related condition. Last evaluated: 2026-04-09. Review status: criteria provided, single submitter. Criteria: ACMG Guidelines, 2015. Collection method: clinical testing. Allele origin: germline.
Comment: This variant is classified as likely benign based on ACMG/AMP sequence variant interpretation guidelines (Richards et al. 2015 PMID: 25741868, with internal and published modifications).

Labcorp Genetics (formerly Invitae), Labcorp
Classification: Likely benign for Fanconi anemia. Last evaluated: 2026-01-29. Review status: criteria provided, single submitter. Criteria: Invitae Variant Classification Sherloc (09022015). Collection method: clinical testing. Allele origin: germline.

Genetic Services Laboratory, University of Chicago
Classification: Uncertain significance. Last evaluated: 2021-05-24. Review status: criteria provided, single submitter. Criteria: ACMG Guidelines, 2015. Collection method: clinical testing. Allele origin: germline. Affected: no.
Comment: DNA sequence analysis of the FANCD2 gene demonstrated a sequence change, c.1130A>G, in exon 14 that results in an amino acid change, p.His377Arg. This sequence change has been described in gnomAD with a frequency of 0.23% in the African/American sub-population (dbSNP rs141141752). The p.His377Arg change affects a moderately conserved amino acid residue located in a domain of the FANCD2 protein that is known to be functional. In-silico pathogenicity prediction tools (SIFT, PolyPhen2, Align GVGD, REVEL) provide contradictory results for the p.His377Arg substitution. This sequence change does not appear to have been previously described in patients with FANCD2-related disorders. Due to the lack of sufficient evidences, the clinical significance of the p.His377Arg change remains unknown at this time.

Baylor Genetics
Classification: Uncertain significance for Fanconi anemia complementation group D2. Last evaluated: 2020-12-04. Review status: criteria provided, single submitter. Criteria: ACMG Guidelines, 2015. Collection method: clinical testing. Allele origin: unknown. Affected: yes. Study: CSER-TexasKidsCanSeq.
Comment: This variant was determined to be of uncertain significance according to ACMG Guidelines, 2015 [PMID:25741868].